The following is an entry in ClinVar:

NM_001099922.3(ALG13):c.384G>A (p.Arg128=)

Gene: ALG13 (ALG13 UDP-N-acetylglucosaminyltransferase subunit; plus strand). Cytogenetic location: Xq23.
Variant type: single nucleotide variant.
Coding change: c.384G>A on transcript NM_001099922.3 (MANE Select); coding-DNA position 384, G replaced by A.
Protein change: p.Arg128=; no amino-acid change (arginine 128 retained).
Molecular consequence: synonymous variant. On other transcripts: non-coding transcript variant (1).
Genome position (GRCh38, 1-based): chrX:111,708,027, G>A. VCF-style: chrX-111708027-G-A. GRCh37 (hg19) VCF-style: chrX-110951255-G-A.
Other names: c.72G>A, p.Arg24= (NM_001257230.2, NM_001257234.2, NM_001257237.2 and 1 more transcripts); c.150G>A, p.Arg50= (NM_001257231.2); c.384G>A, p.Arg128= (NM_001324292.2).
Identifiers: ClinVar variation 1313015 (VCV001313015.4), dbSNP rs984821885, ClinGen allele CA334443155.
Genomic context (GRCh38, chrX:111,708,027, plus strand): 5'-TCCTGCTTAGTCTGAGTTCCCTATTCCTAGGAGGATTGGCTCTTCCTCTTCTTTTCACAG[G>A]GTCCTGACTTGTCCTGGGCAAGCCAAGTCCATTGCTTCTGCTCCTGGGAAGTGCCAAGAT-3'
Protein context (NP_001093392.1, residues 118-138): KEGHLFYCTC[Arg128=]VLTCPGQAKS

ClinVar aggregate classification (germline): Uncertain significance (1 of 4 stars; one submission).

Allele frequency attached by ClinVar (database versions not stated): TOPMed below 0.00001.

Submission:

GeneDx
Classification: Uncertain significance. Last evaluated: 2023-09-06. Review status: criteria provided, single submitter. Criteria: GeneDx Variant Classification Process June 2021. Collection method: clinical testing. Allele origin: germline. Affected: yes.
Comment: Not observed in large population cohorts (gnomAD); In silico analysis supports that this variant does not alter splicing; Has not been previously published as pathogenic or benign to our knowledge